The following is an entry in ClinVar:

NM_001385125.1(OPN1SW):c.188G>A (p.Arg63Gln)

Gene: OPN1SW (opsin 1, short wave sensitive; minus strand). Cytogenetic location: 7q32.1.
Variant type: single nucleotide variant.
Coding change: c.188G>A on transcript NM_001385125.1 (MANE Select); coding-DNA position 188, G replaced by A.
Protein change: p.Arg63Gln; replaces arginine 63 with glutamine.
Molecular consequence: missense variant.
Genome position (GRCh38, 1-based): chr7:128,775,594, C>T on the plus strand (G>A on the coding strand, the complement: OPN1SW is on the minus strand). VCF-style: chr7-128775594-C-T. GRCh37 (hg19) VCF-style: chr7-128415648-C-T.
Other names: NM_001708.2:c.197G>A; short protein forms R63Q.
Identifiers: ClinVar variation 1003985 (VCV001003985.11), dbSNP rs755636864, ClinGen allele CA4473037.
Genomic context (GRCh38, chr7:128,775,594, plus strand): 5'-AAGATGCAGAGGAGGAAGCCTCCGAAGGACACGTTGACCAGAATGTAGTTGAGGGGCTGC[C>T]GCAACTTTTTGTAGCGCAGTGTGGCCACCAGCACCATGGCATTGAGTGGGAACCCTATAA-3'
Protein context (NP_001372054.1, residues 53-73): LVATLRYKKL[Arg63Gln]QPLNYILVNV

ClinVar aggregate classification (germline): Uncertain significance. Review status: criteria provided, multiple submitters, no conflicts (2 of 4 stars). 2 submissions from 2 submitters: Uncertain significance (2). Last evaluated 2025-09-08.

Allele frequency attached by ClinVar (database versions not stated): gnomAD 0.00005; ExAC 0.00009; TOPMed 0.00009; gnomAD exomes 0.00010 and 0.00022.

Submissions (2):

Labcorp Genetics (formerly Invitae), Labcorp
Classification: Uncertain significance. Last evaluated: 2025-09-08. Review status: criteria provided, single submitter. Criteria: Invitae Variant Classification Sherloc (09022015). Collection method: clinical testing. Allele origin: germline.
Comment: This sequence change replaces arginine, which is basic and polar, with glutamine, which is neutral and polar, at codon 66 of the OPN1SW protein (p.Arg66Gln). This variant is present in population databases (rs755636864, gnomAD 0.04%), and has an allele count higher than expected for a pathogenic variant. This variant has not been reported in the literature in individuals affected with OPN1SW-related conditions. ClinVar contains an entry for this variant (Variation ID: 1003985). An algorithm developed to predict the effect of missense changes on protein structure and function (PolyPhen-2) suggests that this variant is likely to be tolerated. In summary, the available evidence is currently insufficient to determine the role of this variant in disease. Therefore, it has been classified as a Variant of Uncertain Significance.

Ambry Genetics
Classification: Uncertain significance. Last evaluated: 2025-05-17. Review status: criteria provided, single submitter. Criteria: Ambry Variant Classification Scheme 2023. Collection method: clinical testing. Allele origin: germline.